The following is an entry in ClinVar:

NM_025074.7(FRAS1):c.8344A>G (p.Ile2782Val)

Gene: FRAS1 (Fraser extracellular matrix complex subunit 1; plus strand). Cytogenetic location: 4q21.21.
Variant type: single nucleotide variant.
Coding change: c.8344A>G on transcript NM_025074.7 (MANE Select); coding-DNA position 8344, A replaced by G.
Protein change: p.Ile2782Val; replaces isoleucine 2782 with valine.
Molecular consequence: missense variant.
Genome position (GRCh38, 1-based): chr4:78,479,619, A>G. VCF-style: chr4-78479619-A-G. GRCh37 (hg19) VCF-style: chr4-79400773-A-G.
Other names: short protein forms I2782V.
Identifiers: ClinVar variation 1466266 (VCV001466266.6), dbSNP rs2109857698, ClinGen allele CA357373245.

ClinVar aggregate classification (germline): Uncertain significance (1 of 4 stars; one submission).

Allele frequency attached by ClinVar (database versions not stated): gnomAD exomes below 0.00001.
gnomAD v4.1: 1 of 1,613,930 alleles (0.000062%); highest among the groups gnomAD compares: Non-Finnish European, 0.000085%; no homozygotes.

Submission:

Labcorp Genetics (formerly Invitae), Labcorp
Classification: Uncertain significance. Last evaluated: 2021-10-20. Review status: criteria provided, single submitter. Criteria: Invitae Variant Classification Sherloc (09022015). Collection method: clinical testing. Allele origin: germline.
Comment: This sequence change replaces isoleucine with valine at codon 2782 of the FRAS1 protein (p.Ile2782Val). The isoleucine residue is highly conserved and there is a small physicochemical difference between isoleucine and valine. This variant is not present in population databases (ExAC no frequency). This variant has not been reported in the literature in individuals affected with FRAS1-related conditions. Algorithms developed to predict the effect of missense changes on protein structure and function output the following: SIFT: "Tolerated"; PolyPhen-2: "Benign"; Align-GVGD: "Class C0". The valine amino acid residue is found in multiple mammalian species, which suggests that this missense change does not adversely affect protein function. In summary, the available evidence is currently insufficient to determine the role of this variant in disease. Therefore, it has been classified as a Variant of Uncertain Significance.